The following is an entry in ClinVar:

NM_016013.4(NDUFAF1):c.870G>A (p.Val290=)

Gene: NDUFAF1 (NADH:ubiquinone oxidoreductase complex assembly factor 1; minus strand). Cytogenetic location: 15q15.1.
Variant type: single nucleotide variant.
Coding change: c.870G>A on transcript NM_016013.4 (MANE Select); coding-DNA position 870, G replaced by A.
Protein change: p.Val290=; no amino-acid change (valine 290 retained).
Molecular consequence: synonymous variant. On other transcripts: non-coding transcript variant (1).
Genome position (GRCh38, 1-based): chr15:41,387,558, C>T on the plus strand (G>A on the coding strand, the complement: NDUFAF1 is on the minus strand). VCF-style: chr15-41387558-C-T. GRCh37 (hg19) VCF-style: chr15-41679756-C-T.
Identifiers: ClinVar variation 2982782 (VCV002982782.3), dbSNP rs2550172247, ClinGen allele CA489802382.

ClinVar aggregate classification (germline): Uncertain significance (1 of 4 stars; one submission).

Submission:

Labcorp Genetics (formerly Invitae), Labcorp
Classification: Uncertain significance. Last evaluated: 2023-12-27. Review status: criteria provided, single submitter. Criteria: Invitae Variant Classification Sherloc (09022015). Collection method: clinical testing. Allele origin: germline.
Comment: This sequence change affects codon 290 of the NDUFAF1 mRNA. It is a 'silent' change, meaning that it does not change the encoded amino acid sequence of the NDUFAF1 protein. This variant is not present in population databases (gnomAD no frequency). This variant has not been reported in the literature in individuals affected with NDUFAF1-related conditions. Algorithms developed to predict the effect of sequence changes on RNA splicing suggest that this variant may disrupt the consensus splice site. In summary, the available evidence is currently insufficient to determine the role of this variant in disease. Therefore, it has been classified as a Variant of Uncertain Significance.